The following is an entry in ClinVar:

NM_005343.4(HRAS):c.426C>T (p.Ile142=)

Genes: HRAS (HRas proto-oncogene, GTPase; minus strand), LRRC56 (leucine rich repeat containing 56; plus strand). Cytogenetic location: 11p15.5.
Variant type: single nucleotide variant.
Coding change: c.426C>T on transcript NM_005343.4 (MANE Select); coding-DNA position 426, C replaced by T.
Protein change: p.Ile142=; no amino-acid change (isoleucine 142 retained).
Molecular consequence: synonymous variant. On other transcripts: missense variant (1).
Genome position (GRCh38, 1-based): chr11:533,477, G>A on the plus strand (C>T on the coding strand, the complement: HRAS is on the minus strand). VCF-style: chr11-533477-G-A. GRCh37 (hg19) VCF-style: chr11-533477-G-A.
Other names: c.426C>T, p.Ile142= (NM_001130442.3, NM_176795.5); c.107C>T, p.Ser36Leu (NM_001318054.2); short protein forms S36L.
Identifiers: ClinVar variation 378902 (VCV000378902.8), dbSNP rs533567288, ClinGen allele CA5779311.

ClinVar aggregate classification (germline): Likely benign. Review status: criteria provided, multiple submitters, no conflicts (2 of 4 stars). 3 submissions from 3 submitters: Likely benign (3). Last evaluated 2023-02-14.

Conditions:
Cardiovascular phenotype. Identifiers: MedGen CN230736.
Costello syndrome (CSTLO). Also called: FACIOCUTANEOSKELETAL SYNDROME; FCS SYNDROME; HRAS-Related Costello Syndrome. Identifiers: Orphanet 3071, MedGen C0587248, MONDO:0009026, OMIM 218040.

Allele frequency attached by ClinVar (database versions not stated): gnomAD 0.00001; TOPMed 0.00001; 1000 Genomes Project 30x 0.00016; 1000 Genomes Project 0.00020.
gnomAD v4.1: 4 of 1,613,552 alleles (0.00025%); highest among the groups gnomAD compares: African/African-American, 0.0013%; no homozygotes.

Submissions (3):

Labcorp Genetics (formerly Invitae), Labcorp
Classification: Likely benign for Costello syndrome. Last evaluated: 2023-02-14. Review status: criteria provided, single submitter. Criteria: Invitae Variant Classification Sherloc (09022015). Collection method: clinical testing. Allele origin: germline.

Ambry Genetics
Classification: Likely benign for Cardiovascular phenotype. Last evaluated: 2022-09-08. Review status: criteria provided, single submitter. Criteria: Ambry Variant Classification Scheme 2023. Collection method: clinical testing. Allele origin: germline.

GeneDx
Classification: Likely benign. Last evaluated: 2016-07-25. Review status: criteria provided, single submitter. Criteria: GeneDx Variant Classification (06012015). Collection method: clinical testing. Allele origin: germline. Affected: yes.
Comment: This variant is considered likely benign or benign based on one or more of the following criteria: it is a conservative change, it occurs at a poorly conserved position in the protein, it is predicted to be benign by multiple in silico algorithms, and/or has population frequency not consistent with disease.